The following is an entry in ClinVar:

NM_000359.3(TGM1):c.833G>C (p.Gly278Ala)

Gene: TGM1 (transglutaminase 1; minus strand). Cytogenetic location: 14q12.
Variant type: single nucleotide variant.
Coding change: c.833G>C on transcript NM_000359.3 (MANE Select); coding-DNA position 833, G replaced by C.
Protein change: p.Gly278Ala; replaces glycine 278 with alanine.
Molecular consequence: missense variant.
Genome position (GRCh38, 1-based): chr14:24,259,983, C>G on the plus strand (G>C on the coding strand, the complement: TGM1 is on the minus strand). VCF-style: chr14-24259983-C-G. GRCh37 (hg19) VCF-style: chr14-24729189-C-G.
Other names: short protein forms G278A.
Identifiers: ClinVar variation 1934634 (VCV001934634.5), dbSNP rs1354167809, ClinGen allele CA389269970.

ClinVar aggregate classification (germline): Likely pathogenic (1 of 4 stars; one submission).

Allele frequency attached by ClinVar (database versions not stated): gnomAD exomes below 0.00001.

Submission:

Labcorp Genetics (formerly Invitae), Labcorp
Classification: Likely pathogenic. Last evaluated: 2023-08-08. Review status: criteria provided, single submitter. Criteria: Invitae Variant Classification Sherloc (09022015). Collection method: clinical testing. Allele origin: germline.
Comment: In summary, the currently available evidence indicates that the variant is pathogenic, but additional data are needed to prove that conclusively. Therefore, this variant has been classified as Likely Pathogenic. This variant disrupts the p.Gly278 amino acid residue in TGM1. Other variant(s) that disrupt this residue have been determined to be pathogenic (PMID: 22311480, 23689228, 28403434). This suggests that this residue is clinically significant, and that variants that disrupt this residue are likely to be disease-causing. Advanced modeling of protein sequence and biophysical properties (such as structural, functional, and spatial information, amino acid conservation, physicochemical variation, residue mobility, and thermodynamic stability) performed at Invitae indicates that this missense variant is expected to disrupt TGM1 protein function. ClinVar contains an entry for this variant (Variation ID: 1934634). This variant has not been reported in the literature in individuals affected with TGM1-related conditions. This variant is not present in population databases (gnomAD no frequency). This sequence change replaces glycine, which is neutral and non-polar, with alanine, which is neutral and non-polar, at codon 278 of the TGM1 protein (p.Gly278Ala).

Literature cited by the submitters: PubMed 22311480; PubMed 23689228; PubMed 28403434.